The following is an entry in ClinVar:

ClinVar aggregate classification (germline): no classifications from unflagged records (0 of 4 stars; one submission).

Conditions:
Immunodeficiency, common variable, 5. Also called: ANTIBODY DEFICIENCY DUE TO CD20 DEFECT. Identifiers: Orphanet 1572, MedGen C3150740, MONDO:0013285, OMIM 613495.

Submission:

OMIM
Classification: Pathogenic for IMMUNODEFICIENCY, COMMON VARIABLE, 5 (1 patient). Last evaluated: 2010-01-01. Review status: flagged submission. Collection method: literature only. Allele origin: germline.
ClinVar note: Notes: Flagging candidate with reason of insufficient supporting evidence. This gene has been classified as having a limited gene-disease relationship by a ClinGen Expert Panel.
ClinVar note: Reason: P/LP classification for a variant in a gene with insufficient evidence for a gene-disease relationship

Literature cited by the submitters: PubMed 20038800.

NM_152866.3(MS4A1):c.336+6_336+7delinsGACATATGGTT

Gene: MS4A1 (membrane spanning 4-domains A1; plus strand). Cytogenetic location: 11q12.2.
Variant type: Indel.
Coding change: c.336+6_336+7delinsGACATATGGTT on transcript NM_152866.3 (MANE Select); bases 6 to 7 of the intron after coding-DNA position 336, TA replaced by GACATATGGTT.
Molecular consequence: intron variant.
Genome position (GRCh38, 1-based): chr11:60,464,350-60,464,351, TA replaced by GACATATGGTT. VCF-style: chr11-60464350-TA-GACATATGGTT. GRCh37 (hg19) VCF-style: chr11-60231823-TA-GACATATGGTT.
Other names: c.336+6_336+7delinsGACATATGGTT (NM_152867.2, NM_021950.4).
Identifiers: ClinVar variation 17705 (VCV000017705.3), dbSNP rs2495405996, ClinGen allele CA2580084337.